The following is an entry in ClinVar:

ClinVar aggregate classification (germline): Uncertain significance. Review status: criteria provided, multiple submitters, no conflicts (2 of 4 stars). 2 submissions from 2 submitters: Uncertain significance (2). Last evaluated 2025-11-26.

Conditions:
Hereditary cancer-predisposing syndrome. Also called: Hereditary neoplastic syndrome; Hereditary Cancer Syndrome; Neoplastic Syndromes, Hereditary; Tumor predisposition. Identifiers: Orphanet 140162, MedGen C0027672, MeSH D009386, MONDO:0015356.
Microcephaly, normal intelligence and immunodeficiency (NBS). Also called: SEEMANOVA SYNDROME II; Nijmegen breakage syndrome; Microcephaly with normal intelligence immunodeficiency and lymphoreticular malignancies; Nonsyndromal microcephaly autosomal recessive with normal intelligence; Seemanova syndrome 2; BERLIN BREAKAGE SYNDROME. Identifiers: Orphanet 647, MedGen C0398791, MONDO:0009623, OMIM 251260.

Submissions (2):

Ambry Genetics
Classification: Uncertain significance for Hereditary cancer-predisposing syndrome. Last evaluated: 2025-11-26. Review status: criteria provided, single submitter. Criteria: Ambry Variant Classification Scheme 2023. Collection method: clinical testing. Allele origin: germline.
Comment: The p.Q286H variant (also known as c.858G>C), located in coding exon 7 of the NBN gene, results from a G to C substitution at nucleotide position 858. The glutamine at codon 286 is replaced by histidine, an amino acid with highly similar properties. This amino acid position is conserved. In addition, this alteration is predicted to be tolerated by in silico analysis. Based on the available evidence, the clinical significance of this variant remains unclear.

Labcorp Genetics (formerly Invitae), Labcorp
Classification: Uncertain significance for Microcephaly, normal intelligence and immunodeficiency. Last evaluated: 2025-07-02. Review status: criteria provided, single submitter. Criteria: Invitae Variant Classification Sherloc (09022015). Collection method: clinical testing. Allele origin: germline.
Comment: This sequence change replaces glutamine, which is neutral and polar, with histidine, which is basic and polar, at codon 286 of the NBN protein (p.Gln286His). This variant is not present in population databases (gnomAD no frequency). This variant has not been reported in the literature in individuals affected with NBN-related conditions. An algorithm developed to predict the effect of missense changes on protein structure and function (PolyPhen-2) suggests that this variant is likely to be tolerated. In summary, the available evidence is currently insufficient to determine the role of this variant in disease. Therefore, it has been classified as a Variant of Uncertain Significance.

NM_002485.5(NBN):c.858G>C (p.Gln286His)

Gene: NBN (nibrin; minus strand). Cytogenetic location: 8q21.3.
Variant type: single nucleotide variant.
Coding change: c.858G>C on transcript NM_002485.5 (MANE Select); coding-DNA position 858, G replaced by C.
Protein change: p.Gln286His; replaces glutamine 286 with histidine.
Molecular consequence: missense variant.
Genome position (GRCh38, 1-based): chr8:89,970,402, C>G on the plus strand (G>C on the coding strand, the complement: NBN is on the minus strand). VCF-style: chr8-89970402-C-G. GRCh37 (hg19) VCF-style: chr8-90982630-C-G.
Other names: c.612G>C, p.Gln204His (NM_001024688.3, NM_001440379.1, NM_001440380.1); short protein forms Q204H, Q286H.
Identifiers: ClinVar variation 4660735 (VCV004660735.2).